The following is an entry in ClinVar:

NM_004629.2(FANCG):c.1143+4G>A

Gene: FANCG (FA complementation group G; minus strand). Cytogenetic location: 9p13.3.
Variant type: single nucleotide variant.
Coding change: c.1143+4G>A on transcript NM_004629.2 (MANE Select); 4 bases into the intron after coding-DNA position 1143, G replaced by A.
Molecular consequence: intron variant.
Genome position (GRCh38, 1-based): chr9:35,075,958, C>T on the plus strand (G>A on the coding strand, the complement: FANCG is on the minus strand). VCF-style: chr9-35075958-C-T. GRCh37 (hg19) VCF-style: chr9-35075955-C-T.
Identifiers: ClinVar variation 1490021 (VCV001490021.6), dbSNP rs2131054635, ClinGen allele CA2573144528.
Genomic context (GRCh38, chr9:35,075,958, plus strand): 5'-CTGTATTTCAAAGGGGACACCAACCCGTCTACCCCATTGCAGAGAAGCTTGAAGACACAC[C>T]CACCCTTGGCTCCGAGCTATCCAGCAACAGGGCCAGCAGGTCCAAGTAATGCTCTGCAGC-3'

ClinVar aggregate classification (germline): Uncertain significance (1 of 4 stars; one submission).

Conditions:
Fanconi anemia (FA). Also called: Fanconi's anemia. Identifiers: Orphanet 84, MedGen C0015625, MeSH D005199, MONDO:0019391.

Submission:

Labcorp Genetics (formerly Invitae), Labcorp
Classification: Uncertain significance for Fanconi anemia. Last evaluated: 2022-06-17. Review status: criteria provided, single submitter. Criteria: Invitae Variant Classification Sherloc (09022015). Collection method: clinical testing. Allele origin: germline.
Comment: This variant has not been reported in the literature in individuals affected with FANCG-related conditions. In summary, the available evidence is currently insufficient to determine the role of this variant in disease. Therefore, it has been classified as a Variant of Uncertain Significance. Variants that disrupt the consensus splice site are a relatively common cause of aberrant splicing (PMID: 17576681, 9536098). Algorithms developed to predict the effect of sequence changes on RNA splicing suggest that this variant may create or strengthen a splice site. This variant is not present in population databases (gnomAD no frequency). This sequence change falls in intron 9 of the FANCG gene. It does not directly change the encoded amino acid sequence of the FANCG protein. It affects a nucleotide within the consensus splice site.

Literature cited by the submitters: PubMed 17576681; PubMed 9536098.